The following is an entry in ClinVar:

NM_001197104.2(KMT2A):c.3007A>G (p.Thr1003Ala)

Gene: KMT2A (lysine methyltransferase 2A; plus strand). Cytogenetic location: 11q23.3.
Variant type: single nucleotide variant.
Coding change: c.3007A>G on transcript NM_001197104.2 (MANE Select); coding-DNA position 3007, A replaced by G.
Protein change: p.Thr1003Ala; replaces threonine 1003 with alanine.
Molecular consequence: missense variant.
Genome position (GRCh38, 1-based): chr11:118,474,166, A>G. VCF-style: chr11-118474166-A-G. GRCh37 (hg19) VCF-style: chr11-118344881-A-G.
Other names: c.3007A>G, p.Thr1003Ala (NM_005933.4); short protein forms T1003A.
Identifiers: ClinVar variation 1378344 (VCV001378344.6), dbSNP rs782789544, ClinGen allele CA6303591.
Genomic context (GRCh38, chr11:118,474,166, plus strand): 5'-CTGGAGAAGGAGAAAACCCTCTGCCTTTCCACTCCTTCATCTAGCACTGTTAAACATTCC[A>G]CTTCCTCCATAGGCTCCATGTTGGCTCAGGCAGACAAGCTTCCAATGACTGACAAGAGGG-3'
Protein context (NP_001184033.1, residues 993-1013): TPSSSTVKHS[Thr1003Ala]SSIGSMLAQA

ClinVar aggregate classification (germline): Uncertain significance (1 of 4 stars; one submission).

Allele frequency attached by ClinVar (database versions not stated): gnomAD exomes below 0.00001; TOPMed 0.00001; ExAC 0.00001; gnomAD 0.00001.
gnomAD v4.1: 3 of 1,613,960 alleles (0.00019%); highest among the groups gnomAD compares: Non-Finnish European, 0.00025%; no homozygotes.

Submission:

Labcorp Genetics (formerly Invitae), Labcorp
Classification: Uncertain significance. Last evaluated: 2025-04-20. Review status: criteria provided, single submitter. Criteria: Invitae Variant Classification Sherloc (09022015). Collection method: clinical testing. Allele origin: germline.
Comment: This sequence change replaces threonine, which is neutral and polar, with alanine, which is neutral and non-polar, at codon 1003 of the KMT2A protein (p.Thr1003Ala). This variant is present in population databases (rs782789544, gnomAD 0.0009%). This variant has not been reported in the literature in individuals affected with KMT2A-related conditions. ClinVar contains an entry for this variant (Variation ID: 1378344). Invitae Evidence Modeling of protein sequence and biophysical properties (such as structural, functional, and spatial information, amino acid conservation, physicochemical variation, residue mobility, and thermodynamic stability) indicates that this missense variant is not expected to disrupt KMT2A protein function with a negative predictive value of 95%. In summary, the available evidence is currently insufficient to determine the role of this variant in disease. Therefore, it has been classified as a Variant of Uncertain Significance.